The following is an entry in ClinVar:

NM_176824.3(BBS7):c.2104A>T (p.Ser702Cys)

Gene: BBS7 (Bardet-Biedl syndrome 7; minus strand). Cytogenetic location: 4q27.
Variant type: single nucleotide variant.
Coding change: c.2104A>T on transcript NM_176824.3 (MANE Select); coding-DNA position 2104, A replaced by T.
Protein change: p.Ser702Cys; replaces serine 702 with cysteine.
Molecular consequence: missense variant.
Genome position (GRCh38, 1-based): chr4:121,825,904, T>A on the plus strand (A>T on the coding strand, the complement: BBS7 is on the minus strand). VCF-style: chr4-121825904-T-A. GRCh37 (hg19) VCF-style: chr4-122747059-T-A.
Other names: short protein forms S702C.
Identifiers: ClinVar variation 5002398 (VCV005002398.1).

ClinVar aggregate classification (germline): Uncertain significance (1 of 4 stars; one submission).

Conditions:
BBS7-related disorder. Also called: BBS7-related condition.

Submission:

PreventionGenetics, part of Exact Sciences
Classification: Uncertain significance for BBS7-related condition. Last evaluated: 2025-01-08. Review status: criteria provided, single submitter. Criteria: ACMG Guidelines, 2015. Collection method: clinical testing. Allele origin: germline.
Comment: The BBS7 c.2104A>T variant is predicted to result in the amino acid substitution p.Ser702Cys. To our knowledge, this variant has not been reported in the literature or in a large population database (gnomAD), indicating this variant is rare. At this time, the clinical significance of this variant is uncertain due to the absence of conclusive functional and genetic evidence.